The following is an entry in ClinVar:

NM_000548.5(TSC2):c.5366_5368del (p.Glu1789del)

Gene: TSC2 (TSC complex subunit 2; plus strand). Cytogenetic location: 16p13.3.
Variant type: Deletion.
Coding change: c.5366_5368del on transcript NM_000548.5 (MANE Select); coding-DNA positions 5366 to 5368, 3 bases deleted (AGG; older notation c.5366_5368delAGG).
Protein change: p.Glu1789del; deletes glutamic acid 1789.
Molecular consequence: inframe deletion.
Genome position (GRCh38, 1-based): chr16:2,088,552-2,088,554, AGG deleted; deleting any 3 consecutive bases within chr16:2,088,551-2,088,554 gives the same sequence; the c. name uses the placement nearest the transcript's 3' end. VCF-style (leftmost placement, unchanged base first): chr16-2088550-TGAG-T. GRCh37 (hg19) VCF-style: chr16-2138551-TGAG-T.
Other names: c.5165_5167del, p.Glu1722del (NM_001077183.3); c.5297_5299del, p.Glu1766del (NM_001114382.3); c.5057_5059del, p.Glu1686del (NM_001318827.2); c.5021_5023del, p.Glu1674del (NM_001318829.2); c.4634_4636del, p.Glu1545del (NM_001318831.2); c.5198_5200del, p.Glu1733del (NM_001318832.2); c.5168_5170del, p.Glu1723del (NM_001363528.2); c.5234_5236del, p.Glu1745del (NM_001370404.1); and 2 more; short protein forms E1686del, E1733del, E1766del, E1789del, E1722del, E1723del, E1745del, E1742del.
Identifiers: ClinVar variation 1414868 (VCV001414868.6), dbSNP rs2151641485, ClinGen allele CA2573151991.

ClinVar aggregate classification (germline): Uncertain significance (1 of 4 stars; one submission).

Conditions:
Tuberous sclerosis 2 (TSC2). Identifiers: Orphanet 805, MedGen C1860707, MONDO:0013199, OMIM 613254.

Submission:

Labcorp Genetics (formerly Invitae), Labcorp
Classification: Uncertain significance for Tuberous sclerosis 2. Last evaluated: 2022-03-04. Review status: criteria provided, single submitter. Criteria: Invitae Variant Classification Sherloc (09022015). Collection method: clinical testing. Allele origin: germline.
Comment: In summary, the available evidence is currently insufficient to determine the role of this variant in disease. Therefore, it has been classified as a Variant of Uncertain Significance. Experimental studies and prediction algorithms are not available or were not evaluated, and the functional significance of this variant is currently unknown. This variant has not been reported in the literature in individuals affected with TSC2-related conditions. This variant is not present in population databases (gnomAD no frequency). This variant, c.5366_5368del, results in the deletion of 1 amino acid(s) of the TSC2 protein (p.Glu1789del), but otherwise preserves the integrity of the reading frame.